The following is an entry in ClinVar:

NM_001776.6(ENTPD1):c.896C>T (p.Thr299Ile)

Genes: ENTPD1 (ectonucleoside triphosphate diphosphohydrolase 1; plus strand), ENTPD1-AS1 (ENTPD1 antisense RNA 1; minus strand). Cytogenetic location: 10q24.1.
Variant type: single nucleotide variant.
Coding change: c.896C>T on transcript NM_001776.6 (MANE Select); coding-DNA position 896, C replaced by T.
Protein change: p.Thr299Ile; replaces threonine 299 with isoleucine.
Molecular consequence: missense variant. On other transcripts: intron variant (1).
Genome position (GRCh38, 1-based): chr10:95,847,528, C>T. VCF-style: chr10-95847528-C-T. GRCh37 (hg19) VCF-style: chr10-97607285-C-T.
Other names: c.917C>T, p.Thr306Ile (NM_001098175.2); c.932C>T, p.Thr311Ile (NM_001164178.1, NM_001320916.1); c.572C>T, p.Thr191Ile (NM_001164181.1, NM_001312654.1); c.482C>T, p.Thr161Ile (NM_001164182.2, NM_001164183.2); c.814-41C>T (NM_001164179.2); short protein forms T161I, T191I, T299I, T306I, T311I.
Identifiers: ClinVar variation 3026582 (VCV003026582.22), dbSNP rs2494455520, ClinGen allele CA377823676.
Genomic context (GRCh38, chr10:95,847,528, plus strand): 5'-GGGACCCATGCTTTCATCCTGGATATAAGAAGGTAGTGAACGTAAGTGACCTTTACAAGA[C>T]CCCCTGCACCAAGAGATTTGAGATGACTCTTCCATTCCAGCAGTTTGAAATCCAGGGTAT-3'
Protein context (NP_001767.3, residues 289-309): KVVNVSDLYK[Thr299Ile]PCTKRFEMTL

ClinVar aggregate classification (germline): Uncertain significance (1 of 4 stars; one submission).

Submission:

CeGaT Center for Human Genetics Tuebingen
Classification: Uncertain significance. Last evaluated: 2023-12-01. Review status: criteria provided, single submitter. Criteria: CeGaT Center For Human Genetics Tuebingen Variant Classification Criteria Version 2. Collection method: clinical testing. Allele origin: germline. Affected: yes. Observed: 1 variant allele.
Comment: ENTPD1: PM2, BP4